The following is an entry in ClinVar:

ClinVar aggregate classification (germline): Conflicting classifications of pathogenicity. Review status: criteria provided, conflicting classifications (1 of 4 stars). 13 submissions from 13 submitters: Uncertain significance (6); Likely benign (5). 2 of the submissions do not count toward it. Last evaluated 2025-12-08.

Conditions:
Classic or attenuated familial adenomatous polyposis. Identifiers: MedGen CN372698, MONDO:0021057.
APC-Associated Polyposis Disorders.
APC-related disorder. Also called: APC-related condition.
Hereditary cancer-predisposing syndrome. Also called: Tumor predisposition; Neoplastic Syndromes, Hereditary; Hereditary neoplastic syndrome; Hereditary Cancer Syndrome. Identifiers: Orphanet 140162, MedGen C0027672, MeSH D009386, MONDO:0015356.
Familial adenomatous polyposis 1 (FAP1). Also called: FAMILIAL ADENOMATOUS POLYPOSIS 1, ATTENUATED; POLYPOSIS, ADENOMATOUS INTESTINAL. Identifiers: MedGen C2713442, MONDO:0021056, OMIM 175100. Disease mechanism: loss of function.

Allele frequency attached by ClinVar (database versions not stated): gnomAD 0.00001; ExAC 0.00002; TOPMed 0.00003; gnomAD exomes 0.00004 and 0.00005; ESP Exome Variant Server 0.00008.
gnomAD v4.1: 78 of 1,613,998 alleles (0.0048%); highest among the groups gnomAD compares: Middle Eastern, 0.016%; 1 homozygote.

Submissions (13):

Labcorp Genetics (formerly Invitae), Labcorp
Classification: Likely benign for Familial adenomatous polyposis 1. Last evaluated: 2025-12-08. Review status: criteria provided, single submitter. Criteria: Invitae Variant Classification Sherloc (09022015). Collection method: clinical testing. Allele origin: germline.

Color Diagnostics, LLC DBA Color Health
Classification: Likely benign for Hereditary cancer-predisposing syndrome. Last evaluated: 2025-11-24. Review status: criteria provided, single submitter. Criteria: ACMG Guidelines, 2015. Collection method: clinical testing. Allele origin: germline.

All of Us Research Program, National Institutes of Health
Classification: Uncertain significance for Classic or attenuated familial adenomatous polyposis. Last evaluated: 2024-09-27. Review status: criteria provided, single submitter. Criteria: ACMG Guidelines, 2015. Collection method: clinical testing. Allele origin: germline. Inheritance: Autosomal dominant inheritance. Observed: 11 variant alleles, 11 heterozygotes.
Comment: This missense variant replaces threonine with methionine at codon 1218 of the APC protein. Computational prediction suggests that this variant may not impact protein structure and function (internally defined REVEL score threshold <= 0.5, PMID: 27666373). To our knowledge, functional studies have not been reported for this variant. This variant has been reported in an individual affected with colorectal cancer (PMID: 27978560), an individual affected with kidney cancer (PMID: 29684080), and in an unaffected individual (PMID: 28706299). This variant has been identified in 9/250328 chromosomes in the general population by the Genome Aggregation Database (gnomAD). The available evidence is insufficient to determine the role of this variant in disease conclusively. Therefore, this variant is classified as a Variant of Uncertain Significance.

This study involves interpretation of variants in research participants for the purpose of population health screening. Participant phenotype was not available at the time of variant classification. Additional details can be found in publication PMID: 35346344, PMCID: PMC8962531

Blueprint Genetics
Classification: Likely benign. Last evaluated: 2023-05-17. Review status: criteria provided, single submitter. Criteria: ACMG Guidelines, 2015. Collection method: clinical testing. Allele origin: germline.

Department of Pathology and Laboratory Medicine, Sinai Health System
Classification: Uncertain significance for classic or attenuated familial adenomatous polyposis. Last evaluated: 2023-04-28. Review status: criteria provided, single submitter. Criteria: ACMG Guidelines, 2015. Collection method: clinical testing. Allele origin: germline. Affected: no.

Myriad Genetics, Inc.
Classification: Uncertain significance for Familial adenomatous polyposis 1. Last evaluated: 2023-02-16. Review status: criteria provided, single submitter. Criteria: Myriad Autosomal Dominant, Autosomal Recessive and X-Linked Classification Criteria (2023). Collection method: clinical testing. Allele origin: unknown.
Comment: This variant is classified as a variant of uncertain significance as there is insufficient evidence to determine its impact on protein function and/or cancer risk.

Ambry Genetics
Classification: Likely benign for Hereditary cancer-predisposing syndrome. Last evaluated: 2022-01-27. Review status: criteria provided, single submitter. Criteria: Ambry Variant Classification Scheme 2023. Collection method: clinical testing. Allele origin: germline.

Women's Health and Genetics/Laboratory Corporation of America, LabCorp
Classification: Uncertain significance. Last evaluated: 2021-07-19. Review status: criteria provided, single submitter. Criteria: LabCorp Variant Classification Summary - May 2015. Collection method: clinical testing. Allele origin: germline.
Comment: Variant summary: APC c.3653C>T (p.Thr1218Met) results in a non-conservative amino acid change in the encoded protein sequence. Four of five in-silico tools predict a benign effect of the variant on protein function. The variant allele was found at a frequency of 3.6e-05 in 250328 control chromosomes in the gnomAD database, including 1 homozygote. The available data on variant occurrences in the general population are insufficient to allow any conclusion about variant significance. c.3653C>T has been reported in the literature as a VUS in at-least one individual affected with colorectal cancer undergoing multigene panel testing (example, Pearlman_2016). These report(s) do not provide unequivocal conclusions about association of the variant with Familial Adenomatous Polyposis. To our knowledge, no experimental evidence demonstrating an impact on protein function has been reported. Six clinical diagnostic laboratories have submitted clinical-significance assessments for this variant to ClinVar after 2014 without evidence for independent evaluation. All laboratories classified the variant as uncertain significance. Based on the evidence outlined above, the variant was classified as uncertain significance.

GeneDx
Classification: Likely benign. Last evaluated: 2020-02-17. Review status: criteria provided, single submitter. Criteria: GeneDx Variant Classification Process June 2021. Collection method: clinical testing. Allele origin: germline. Affected: yes.
Comment: In silico analysis supports that this missense variant does not alter protein structure/function; This variant is associated with the following publications: (PMID: 26601054, 27978560)

Genetic Services Laboratory, University of Chicago
Classification: Uncertain significance. Last evaluated: 2018-12-18. Review status: criteria provided, single submitter. Criteria: ACMG Guidelines, 2015. Collection method: clinical testing. Allele origin: germline. Affected: no.

Illumina Laboratory Services, Illumina
Classification: Uncertain significance for APC-Associated Polyposis Disorders. Last evaluated: 2017-04-27. Review status: criteria provided, single submitter. Criteria: ICSL Variant Classification Criteria 13 December 2019. Collection method: clinical testing. Allele origin: germline.
Comment: This variant was observed as part of a predisposition screen in an ostensibly healthy population. A literature search was performed for the gene, cDNA change, and amino acid change (where applicable). Publications were found based on this search. However, the evidence from the literature, in combination with allele frequency data from public databases where available, was not sufficient to rule this variant in or out of causing disease. Therefore, this variant is classified as a variant of unknown significance.

PreventionGenetics, part of Exact Sciences
Classification: Uncertain significance for APC-related condition. Last evaluated: 2024-08-21. Review status: no assertion criteria provided. Collection method: clinical testing. Allele origin: germline. Not counted in ClinVar's aggregate classification.
Comment: The APC c.3653C>T variant is predicted to result in the amino acid substitution p.Thr1218Met. This variant has been reported in an individual with early-onset colon cancer (Pearlman et al 2017. PubMed ID: 27978560). This variant is reported in 0.013% of alleles in individuals of South Asian descent in gnomAD and has interpretations of likely benign and uncertain significance in ClinVar. At this time, the clinical significance of this variant is uncertain due to the absence of conclusive functional and genetic evidence.

Counsyl
Classification: Uncertain significance for Familial adenomatous polyposis 1. Last evaluated: 2016-05-10. Review status: no assertion criteria provided. Collection method: clinical testing. Allele origin: unknown. Not counted in ClinVar's aggregate classification.

Literature cited by the submitters: PubMed 27978560 (cited by 4 submitters); PubMed 28706299 (cited by All of Us Research Program, National Institutes of Health); PubMed 29684080 (cited by All of Us Research Program, National Institutes of Health); PubMed 21779980 (cited by Illumina Laboratory Services, Illumina).

NM_000038.6(APC):c.3653C>T (p.Thr1218Met)

Gene: APC (APC regulator of Wnt signaling pathway; plus strand). Cytogenetic location: 5q22.2.
Variant type: single nucleotide variant.
Coding change: c.3653C>T on transcript NM_000038.6 (MANE Select); coding-DNA position 3653, C replaced by T.
Protein change: p.Thr1218Met; replaces threonine 1218 with methionine.
Molecular consequence: missense variant.
Genome position (GRCh38, 1-based): chr5:112,839,247, C>T. VCF-style: chr5-112839247-C-T. GRCh37 (hg19) VCF-style: chr5-112174944-C-T.
Other names: c.3653C>T, p.Thr1218Met (NM_001127510.3, NM_001354895.2); c.3599C>T, p.Thr1200Met (NM_001127511.3); c.3707C>T, p.Thr1236Met (NM_001354896.2); c.3683C>T, p.Thr1228Met (NM_001354897.2); c.3578C>T, p.Thr1193Met (NM_001354898.2); c.3569C>T, p.Thr1190Met (NM_001354899.2); c.3530C>T, p.Thr1177Met (NM_001354900.2); c.3476C>T, p.Thr1159Met (NM_001354901.2); and 5 more; short protein forms T1200M, T1218M, T1058M, T1092M, T1117M, T1177M, T1127M, T1159M.
Identifiers: ClinVar variation 187505 (VCV000187505.38), dbSNP rs377640390, ClinGen allele CA008612.